The following is an entry in ClinVar:

NM_001080483.3(MYMK):c.399+5G>A

Gene: MYMK (myomaker, myoblast fusion factor; minus strand). Cytogenetic location: 9q34.2.
Variant type: single nucleotide variant.
Coding change: c.399+5G>A on transcript NM_001080483.3 (MANE Select); 5 bases into the intron after coding-DNA position 399, G replaced by A.
Molecular consequence: intron variant.
Genome position (GRCh38, 1-based): chr9:133,518,869, C>T on the plus strand (G>A on the coding strand, the complement: MYMK is on the minus strand). VCF-style: chr9-133518869-C-T. GRCh37 (hg19) VCF-style: chr9-136383991-C-T.
Identifiers: ClinVar variation 813960 (VCV000813960.3), dbSNP rs755976471, ClinGen allele CA5312235.
Genomic context (GRCh38, chr9:133,518,869, plus strand): 5'-GTCAGACAGGGGAGAGGTGACGGGCCTCCTGGGTCCCCGTTCATCGAGGCTCGCGCAGTA[C>T]GCACCCACTTTGCCGCGATGATGAGGATGGCTGTGCCGATGGGGCCCGAGTACACCCCGT-3'

ClinVar aggregate classification (germline): Uncertain significance. Review status: criteria provided, multiple submitters, no conflicts (2 of 4 stars). 2 submissions from 2 submitters: Uncertain significance (2). Last evaluated 2019-10-16.

Conditions:
Congenital nonprogressive myopathy with Moebius and Robin sequences. Also called: Carey-Fineman-Ziter syndrome. Identifiers: Orphanet 1358, MedGen C1850746, MONDO:0031415.

Allele frequency attached by ClinVar (database versions not stated): gnomAD 0.00001; TOPMed 0.00001; ExAC 0.00002; gnomAD exomes 0.00002 and 0.00004.
gnomAD v4.1: 57 of 1,610,778 alleles (0.0035%); highest among the groups gnomAD compares: South Asian, 0.0044%; no homozygotes.

Submissions (2):

GeneDx
Classification: Uncertain significance. Last evaluated: 2019-10-16. Review status: criteria provided, single submitter. Criteria: GeneDx Variant Classification Process June 2021. Collection method: clinical testing. Allele origin: germline. Affected: yes.
Comment: Has not been previously published as pathogenic or benign to our knowledge; In-silico analysis, which includes splice predictors and evolutionary conservation, is inconclusive as to whether the variant alters gene splicing. In the absence of RNA/functional studies, the actual effect of this sequence change is unknown.; This variant is associated with the following publications: (PMID: 32528171)

Broad Center for Mendelian Genomics, Broad Institute of MIT and Harvard
Classification: Uncertain significance for Carey-Fineman-Ziter syndrome 1. Last evaluated: 2018-12-03. Review status: criteria provided, single submitter. Criteria: ACMG Guidelines, 2015. Collection method: research. Allele origin: germline. Inheritance: Autosomal recessive inheritance. Affected: yes.
Comment: The presence of this variant in combination with a pathogenic variant and in an individual with Carey-Finteman-Ziter syndrome increases the likelihood that the c.399+5G>A variant is pathogenic. This variant is located in the 5' splice region. Computational tools do suggest an impact to splicing as well as a frameshift leading to nonsense mediated decay and an abnormal or truncated protein. No likely pathogenic or pathogenic loss of function variants in the MYMK (alternative name for TMEM8C) gene have been reported in ClinVar, though knock-out animal models in zebrafish do have a phenotype that matches aspects of Carey-Finteman-Ziter syndrome (PMID: 30016436). In summary, while there is some suspicion for a pathogenic role, the clinical significance of this variant is uncertain. ACMG/AMP Criteria applied: PM2, PP3, PM3_Supporting (Richards 2015).

Literature cited by the submitters: PubMed 30016436 (cited by Broad Center for Mendelian Genomics, Broad Institute of MIT and Harvard).